The following is an entry in ClinVar:

NM_006514.4(SCN10A):c.5371C>A (p.Pro1791Thr)

Gene: SCN10A (sodium voltage-gated channel alpha subunit 10; minus strand). Cytogenetic location: 3p22.2.
Variant type: single nucleotide variant.
Coding change: c.5371C>A on transcript NM_006514.4 (MANE Select); coding-DNA position 5371, C replaced by A.
Protein change: p.Pro1791Thr; replaces proline 1791 with threonine.
Molecular consequence: missense variant.
Genome position (GRCh38, 1-based): chr3:38,697,849, G>T on the plus strand (C>A on the coding strand, the complement: SCN10A is on the minus strand). VCF-style: chr3-38697849-G-T. GRCh37 (hg19) VCF-style: chr3-38739340-G-T.
Other names: c.5368C>A, p.Pro1790Thr (NM_001293306.2); c.5077C>A, p.Pro1693Thr (NM_001293307.2); short protein forms P1791T, P1693T, P1790T.
Identifiers: ClinVar variation 463264 (VCV000463264.9), dbSNP rs371803816, ClinGen allele CA2319681.

ClinVar aggregate classification (germline): Uncertain significance. Review status: criteria provided, multiple submitters, no conflicts (2 of 4 stars). 3 submissions from 3 submitters: Uncertain significance (3). Last evaluated 2025-08-05.

Conditions:
Cardiovascular phenotype. Identifiers: MedGen CN230736.
Brugada syndrome. Also called: Sudden Unexplained Nocturnal Death Syndrome (SUNDS); Sudden unexpected nocturnal death syndrome; Sudden Unexplained Death Syndrome; Sudden unexplained nocturnal death syndrome. Identifiers: Orphanet 130, MedGen C1142166, MONDO:0015263.

Allele frequency attached by ClinVar (database versions not stated): ExAC 0.00001; gnomAD 0.00001; gnomAD exomes 0.00001; TOPMed 0.00002; ESP Exome Variant Server 0.00008.
gnomAD v4.1: 33 of 1,614,020 alleles (0.002%); highest among the groups gnomAD compares: Non-Finnish European, 0.0026%; no homozygotes.

Submissions (3):

Ambry Genetics
Classification: Uncertain significance for Cardiovascular phenotype. Last evaluated: 2025-08-05. Review status: criteria provided, single submitter. Criteria: Ambry Variant Classification Scheme 2023. Collection method: clinical testing. Allele origin: germline.

GeneDx
Classification: Uncertain significance. Last evaluated: 2025-03-04. Review status: criteria provided, single submitter. Criteria: GeneDx Variant Classification Process June 2021. Collection method: clinical testing. Allele origin: germline. Affected: yes.
Comment: Not observed at significant frequency in large population cohorts (gnomAD); In silico analysis supports that this missense variant has a deleterious effect on protein structure/function; Has not been previously published as pathogenic or benign to our knowledge

Labcorp Genetics (formerly Invitae), Labcorp
Classification: Uncertain significance for Brugada syndrome. Last evaluated: 2025-02-04. Review status: criteria provided, single submitter. Criteria: Invitae Variant Classification Sherloc (09022015). Collection method: clinical testing. Allele origin: germline.
Comment: This sequence change replaces proline, which is neutral and non-polar, with threonine, which is neutral and polar, at codon 1791 of the SCN10A protein (p.Pro1791Thr). This variant is present in population databases (rs371803816, gnomAD 0.004%). This variant has not been reported in the literature in individuals affected with SCN10A-related conditions. ClinVar contains an entry for this variant (Variation ID: 463264). Invitae Evidence Modeling of protein sequence and biophysical properties (such as structural, functional, and spatial information, amino acid conservation, physicochemical variation, residue mobility, and thermodynamic stability) indicates that this missense variant is expected to disrupt SCN10A protein function with a positive predictive value of 80%. In summary, the available evidence is currently insufficient to determine the role of this variant in disease. Therefore, it has been classified as a Variant of Uncertain Significance.